The following is an entry in ClinVar:

NM_006904.7(PRKDC):c.10298-215_10298-214del

Gene: PRKDC (protein kinase, DNA-activated, catalytic subunit; minus strand). Cytogenetic location: 8q11.21.
Variant type: Microsatellite.
Coding change: c.10298-215_10298-214del on transcript NM_006904.7 (MANE Select); 215 bases into the intron before coding-DNA position 10298 through 214 bases into the intron before coding-DNA position 10298, 2 bases deleted (TG; older notation c.10298-215_10298-214delTG).
Molecular consequence: intron variant.
Genome position (GRCh38, 1-based): chr8:47,798,611-47,798,612, CA deleted on the plus strand (TG on the coding strand, the reverse complement: PRKDC is on the minus strand); deleting any 2 consecutive bases within chr8:47,798,611-47,798,614 gives the same sequence; the c. name uses the placement nearest the transcript's 3' end. VCF-style (leftmost placement, unchanged base first): chr8-47798610-GCA-G. GRCh37 (hg19) VCF-style: chr8-48711171-GCA-G.
Other names: c.10298-215_10298-214del (NM_001081640.2).
Identifiers: ClinVar variation 1707254 (VCV001707254.2), dbSNP rs8178227, ClinGen allele CA176145564.
Genomic context (GRCh38, chr8:47,798,610, plus strand): 5'-TACAGTTTTGTATCTATCCTGGAGCCAAATCCTTCCATTAGAGTGCCCATTCTGCATGAA[GCA>G]CAGTTTGAATCCTGGGCTGGGAACATAAGGGGCAACTGGTGGTTATTGAATTTATTCCAG-3'

ClinVar aggregate classification (germline): Likely benign (1 of 4 stars; one submission).

Submission:

GeneDx
Classification: Likely benign. Last evaluated: 2019-08-24. Review status: criteria provided, single submitter. Criteria: GeneDx Variant Classification Process June 2021. Collection method: clinical testing. Allele origin: germline. Affected: yes.
Comment: See Variant Classification Assertion Criteria.